The following is an entry in ClinVar:

ClinVar aggregate classification (germline): Uncertain significance (1 of 4 stars; one submission).

Submission:

Labcorp Genetics (formerly Invitae), Labcorp
Classification: Uncertain significance. Last evaluated: 2022-08-15. Review status: criteria provided, single submitter. Criteria: Invitae Variant Classification Sherloc (09022015). Collection method: clinical testing. Allele origin: germline.
Comment: A copy number gain of the genomic region encompassing the full coding sequence of the RXYLT1 gene has been identified. The boundaries of this event are unknown as they extend beyond the assayed region for this gene and therefore may encompass additional genes. As the precise location of this event is unknown, it may be in tandem or it may be located elsewhere in the genome. This variant has not been reported in the literature in individuals affected with RXYLT1-related conditions. In summary, the available evidence is currently insufficient to determine the role of this variant in disease. Therefore, it has been classified as a Variant of Uncertain Significance.

NC_000012.12:g.(?_63779951)_(64501391_?)dup

Genes: C12orf56 (chromosome 12 open reading frame 56; minus strand), KICS2 (KICSTOR subunit 2; minus strand), RXYLT1 (ribitol xylosyltransferase 1; plus strand), SRGAP1 (SLIT-ROBO Rho GTPase activating protein 1; plus strand), TBK1 (TANK binding kinase 1; plus strand) and 1 more. Cytogenetic location: 12q14.2.
Variant type: Duplication.
Identifiers: ClinVar variation 832933 (VCV000832933.6).